The following is an entry in ClinVar:

NM_153676.4(USH1C):c.311del (p.Gly104fs)

Gene: USH1C (USH1 protein network component harmonin; minus strand). Cytogenetic location: 11p15.1.
Variant type: Deletion.
Coding change: c.311del on transcript NM_153676.4 (MANE Select); coding-DNA position 311, one base deleted (G; older notation c.311delG).
Protein change: p.Gly104fs; shifts the reading frame from glycine 104.
Molecular consequence: frameshift variant. On other transcripts: non-coding transcript variant (1).
Genome position (GRCh38, 1-based): chr11:17,531,230, C deleted on the plus strand (G on the coding strand, the reverse complement: USH1C is on the minus strand); the first of 2 consecutive C bases (chr11:17,531,230-17,531,231); deleting either gives the same sequence. VCF-style (leftmost placement, unchanged base first): chr11-17531229-AC-A. GRCh37 (hg19) VCF-style: chr11-17552776-AC-A.
Other names: c.311del, p.Gly104fs (NM_001297764.2, NM_001440680.1, NM_001440681.1 and 5 more transcripts); c.344del, p.Gly115fs (NM_001440679.1, NM_001440684.1, NM_001440686.1); short protein forms G104fs, G115fs.
Identifiers: ClinVar variation 5011407 (VCV005011407.1).

ClinVar aggregate classification (germline): Pathogenic (1 of 4 stars; one submission).

Conditions:
Usher syndrome type 1C. Also called: USHER SYNDROME, TYPE I, ACADIAN VARIETY. Identifiers: Orphanet 231169, Orphanet 886, MedGen C1848604, MONDO:0010171, OMIM 276904.

Submission:

Myriad Genetics, Inc.
Classification: Pathogenic for Usher syndrome type 1C. Last evaluated: 2023-08-20. Review status: criteria provided, single submitter. Criteria: Myriad Autosomal Dominant, Autosomal Recessive and X-Linked Classification Criteria (2023). Collection method: clinical testing. Allele origin: unknown.
Comment: NM_005709.3(USH1C):c.311delG(G104Vfs*27) is expected to be pathogenic in the context of USH1C-related disorders. This variant is predicted to lead to an abnormal or absent protein product due to the creation of a premature termination codon in USH1C, a gene where loss-of-function variants are known to be pathogenic. Please note: this variant was assessed in the context of healthy population screening.